The following is an entry in ClinVar:

NM_138576.4(BCL11B):c.1814G>A (p.Gly605Asp)

Gene: BCL11B (BCL11 transcription factor B; minus strand). Cytogenetic location: 14q32.2.
Variant type: single nucleotide variant.
Coding change: c.1814G>A on transcript NM_138576.4 (MANE Select); coding-DNA position 1814, G replaced by A.
Protein change: p.Gly605Asp; replaces glycine 605 with aspartic acid.
Molecular consequence: missense variant.
Genome position (GRCh38, 1-based): chr14:99,175,022, C>T on the plus strand (G>A on the coding strand, the complement: BCL11B is on the minus strand). VCF-style: chr14-99175022-C-T. GRCh37 (hg19) VCF-style: chr14-99641359-C-T.
Other names: c.1811G>A, p.Gly604Asp (NM_001282237.2); c.1598G>A, p.Gly533Asp (NM_001282238.2); c.1601G>A, p.Gly534Asp (NM_022898.3); short protein forms G533D, G534D, G604D, G605D.
Identifiers: ClinVar variation 1716333 (VCV001716333.5), dbSNP rs2503642032, ClinGen allele CA390934555.

ClinVar aggregate classification (germline): Uncertain significance (1 of 4 stars; one submission).

Submission:

Labcorp Genetics (formerly Invitae), Labcorp
Classification: Uncertain significance. Last evaluated: 2022-08-13. Review status: criteria provided, single submitter. Criteria: Invitae Variant Classification Sherloc (09022015). Collection method: clinical testing. Allele origin: germline.
Comment: In summary, the available evidence is currently insufficient to determine the role of this variant in disease. Therefore, it has been classified as a Variant of Uncertain Significance. Algorithms developed to predict the effect of missense changes on protein structure and function are either unavailable or do not agree on the potential impact of this missense change (SIFT: "Deleterious"; PolyPhen-2: "Benign"; Align-GVGD: "Class C0"). This variant has not been reported in the literature in individuals affected with BCL11B-related conditions. This variant is not present in population databases (gnomAD no frequency). This sequence change replaces glycine, which is neutral and non-polar, with aspartic acid, which is acidic and polar, at codon 605 of the BCL11B protein (p.Gly605Asp).